The following is an entry in ClinVar:

NM_000525.4(KCNJ11):c.613C>T (p.Leu205Phe)

Gene: KCNJ11 (potassium inwardly rectifying channel subfamily J member 11; minus strand). Cytogenetic location: 11p15.1.
Variant type: single nucleotide variant.
Coding change: c.613C>T on transcript NM_000525.4 (MANE Select); coding-DNA position 613, C replaced by T.
Protein change: p.Leu205Phe; replaces leucine 205 with phenylalanine.
Molecular consequence: missense variant.
Genome position (GRCh38, 1-based): chr11:17,387,479, G>A on the plus strand (C>T on the coding strand, the complement: KCNJ11 is on the minus strand). VCF-style: chr11-17387479-G-A. GRCh37 (hg19) VCF-style: chr11-17409026-G-A.
Other names: c.352C>T, p.Leu118Phe (NM_001166290.2, NM_001377296.1, NM_001377297.1); short protein forms L118F, L205F.
Identifiers: ClinVar variation 1751824 (VCV001751824.2), dbSNP rs2496409953, ClinGen allele CA379772173.

ClinVar aggregate classification (germline): Uncertain significance (1 of 4 stars; one submission).

Conditions:
Inborn genetic diseases. Identifiers: MedGen C0950123, MeSH D030342.

Submission:

Ambry Genetics
Classification: Uncertain significance for Inborn genetic diseases. Last evaluated: 2022-02-07. Review status: criteria provided, single submitter. Criteria: Ambry Variant Classification Scheme 2023. Collection method: clinical testing. Allele origin: germline.
Comment: The p.L205F variant (also known as c.613C>T), located in coding exon 1 of the KCNJ11 gene, results from a C to T substitution at nucleotide position 613. The leucine at codon 205 is replaced by phenylalanine, an amino acid with highly similar properties. This amino acid position is conserved. In addition, this alteration is predicted to be deleterious by in silico analysis. Since supporting evidence is limited at this time, the clinical significance of this alteration remains unclear.